The following is an entry in ClinVar:

ClinVar aggregate classification (germline): Uncertain significance (1 of 4 stars; one submission).

Conditions:
Cardiovascular phenotype. Identifiers: MedGen CN230736.

Submission:

Ambry Genetics
Classification: Uncertain significance for Cardiovascular phenotype. Last evaluated: 2019-06-07. Review status: criteria provided, single submitter. Criteria: Ambry Variant Classification Scheme 2023. Collection method: clinical testing. Allele origin: germline.
Comment: The p.L3517P variant (also known as c.10550T>C), located in coding exon 44 of the TTN gene, results from a T to C substitution at nucleotide position 10550. The leucine at codon 3517 is replaced by proline, an amino acid with similar properties. This amino acid position is not well conserved in available vertebrate species. In addition, this alteration is predicted to be benign and unknown by PolyPhen and SIFT in silico analyses, respectively. Since supporting evidence is limited at this time, the clinical significance of this alteration remains unclear.

NM_001267550.2(TTN):c.11639T>C (p.Leu3880Pro)

Gene: TTN (titin; minus strand). Cytogenetic location: 2q31.2.
Variant type: single nucleotide variant.
Coding change: c.11639T>C on transcript NM_001267550.2 (MANE Select); coding-DNA position 11639, T replaced by C.
Protein change: p.Leu3880Pro; replaces leucine 3880 with proline.
Molecular consequence: missense variant. On other transcripts: intron variant (1).
Genome position (GRCh38, 1-based): chr2:178,741,594, A>G on the plus strand (T>C on the coding strand, the complement: TTN is on the minus strand). VCF-style: chr2-178741594-A-G. GRCh37 (hg19) VCF-style: chr2-179606321-A-G.
Other names: c.10688T>C, p.Leu3563Pro (NM_001256850.1); c.10550T>C, p.Leu3517Pro (NM_003319.4); c.10925T>C, p.Leu3642Pro (NM_133432.3); c.11126T>C, p.Leu3709Pro (NM_133437.4); c.10361-3234T>C (NM_133378.4); short protein forms L3642P, L3563P, L3517P, L3880P, L3709P.
Identifiers: ClinVar variation 1778253 (VCV001778253.2), dbSNP rs2530728422, ClinGen allele CA349620483.